The following is an entry in ClinVar:

ClinVar aggregate classification (germline): Benign/Likely benign. Review status: criteria provided, multiple submitters, no conflicts (2 of 4 stars). 10 submissions from 10 submitters: Benign (5); Likely benign (2). 3 of the submissions do not count toward it. Last evaluated 2026-02-04.

Conditions:
Abetalipoproteinaemia (ABL). Also called: MTP DEFICIENCY; Abetalipoproteinemia; Abetalipoproteinemia neuropathy; Apolipoprotein B deficiency; Congenital betalipoprotein deficiency syndrome. Identifiers: Orphanet 14, MedGen C0000744, MONDO:0008692, OMIM 200100, HP:0008181.

Allele frequency attached by ClinVar (database versions not stated): 1000 Genomes Project 0.02057; 1000 Genomes Project 30x 0.02186; gnomAD exomes 0.03097; ExAC 0.03326; gnomAD 0.03787 and 0.03958; TOPMed 0.03817; ESP Exome Variant Server 0.04067.
gnomAD v4.1: 56,386 of 1,611,122 alleles (3.5%); highest among the groups gnomAD compares: African/African-American, 5.2%; 1,157 homozygotes.

Submissions (10):

Labcorp Genetics (formerly Invitae), Labcorp
Classification: Benign. Last evaluated: 2026-02-04. Review status: criteria provided, single submitter. Criteria: Invitae Variant Classification Sherloc (09022015). Collection method: clinical testing. Allele origin: germline.

Women's Health and Genetics/Laboratory Corporation of America, LabCorp
Classification: Likely benign. Last evaluated: 2021-12-18. Review status: criteria provided, single submitter. Criteria: LabCorp Variant Classification Summary - May 2015. Collection method: clinical testing. Allele origin: germline.

Mayo Clinic Laboratories, Mayo Clinic
Classification: Benign. Last evaluated: 2020-04-21. Review status: criteria provided, single submitter. Criteria: ACMG Guidelines, 2015. Collection method: clinical testing. Allele origin: germline. Observed: 124 variant alleles.

GeneDx
Classification: Benign. Last evaluated: 2018-10-06. Review status: criteria provided, single submitter. Criteria: GeneDx Variant Classification Process June 2021. Collection method: clinical testing. Allele origin: germline. Affected: yes.

Illumina Laboratory Services, Illumina
Classification: Benign for Abetalipoproteinaemia. Last evaluated: 2018-01-13. Review status: criteria provided, single submitter. Criteria: ICSL Variant Classification Criteria 13 December 2019. Collection method: clinical testing. Allele origin: germline.
Comment: This variant was observed in the ICSL laboratory as part of a predisposition screen in an ostensibly healthy population. It had not been previously curated by ICSL or reported in the Human Gene Mutation Database (HGMD: prior to June 1st, 2018), and was therefore a candidate for classification through an automated scoring system. Utilizing variant allele frequency, disease prevalence and penetrance estimates, and inheritance mode, an automated score was calculated to assess if this variant is too frequent to cause the disease. Based on the score and internal cut-off values, a variant classified as benign is not then subjected to further curation. The score for this variant resulted in a classification of benign for this disease.

Genome Diagnostics Laboratory, University Medical Center Utrecht
Classification: Benign for Abetalipoproteinaemia. Last evaluated: 2015-12-09. Review status: criteria provided, single submitter. Criteria: ACGS Guidelines, 2013. Collection method: clinical testing. Allele origin: germline. Affected: yes. Study: VKGL Data-share Consensus.

Breakthrough Genomics
Classification: Likely benign. Review status: criteria provided, single submitter. Criteria: ACMG Guidelines, 2015. Collection method: not provided. Allele origin: germline. Inheritance: Autosomal recessive inheritance. Affected: yes.

Natera, Inc.
Classification: Benign for Abetalipoproteinemia. Last evaluated: 2019-11-25. Review status: no assertion criteria provided. Collection method: clinical testing. Allele origin: germline. Not counted in ClinVar's aggregate classification.

Clinical Genetics, Academic Medical Center
Classification: Benign. Review status: no assertion criteria provided. Collection method: clinical testing. Allele origin: germline. Affected: yes. Study: VKGL Data-share Consensus. Not counted in ClinVar's aggregate classification.

Genetic Services Laboratory, University of Chicago
Classification: Likely benign for AllHighlyPenetrant. Review status: no assertion criteria provided. Collection method: clinical testing. Allele origin: germline. Not counted in ClinVar's aggregate classification.
Comment: Likely benign based on allele frequency in 1000 Genomes Project or ESP global frequency and its presence in a patient with a rare or unrelated disease phenotype. NOT Sanger confirmed.

NM_001386140.1(MTTP):c.730C>G (p.Gln244Glu)

Gene: MTTP (microsomal triglyceride transfer protein; plus strand). Cytogenetic location: 4q23.
Variant type: single nucleotide variant.
Coding change: c.730C>G on transcript NM_001386140.1 (MANE Select); coding-DNA position 730, C replaced by G.
Protein change: p.Gln244Glu; replaces glutamine 244 with glutamic acid.
Molecular consequence: missense variant.
Genome position (GRCh38, 1-based): chr4:99,591,762, C>G. VCF-style: chr4-99591762-C-G. GRCh37 (hg19) VCF-style: chr4-100512919-C-G.
Other names: c.730C>G, p.Gln244Glu (NM_000253.4); c.481C>G, p.Gln161Glu (NM_001300785.2); short protein forms Q244E, Q161E.
Identifiers: ClinVar variation 129627 (VCV000129627.25), dbSNP rs17599091, ClinGen allele CA153729.